The following is an entry in ClinVar:

NM_012434.5(SLC17A5):c.684T>G (p.Tyr228Ter)

Gene: SLC17A5 (solute carrier family 17 member 5; minus strand). Cytogenetic location: 6q13.
Variant type: single nucleotide variant.
Coding change: c.684T>G on transcript NM_012434.5 (MANE Select); coding-DNA position 684, T replaced by G.
Protein change: p.Tyr228Ter; replaces tyrosine 228 with a stop codon.
Molecular consequence: nonsense. On other transcripts: intron variant (2).
Genome position (GRCh38, 1-based): chr6:73,636,637, A>C on the plus strand (T>G on the coding strand, the complement: SLC17A5 is on the minus strand). VCF-style: chr6-73636637-A-C. GRCh37 (hg19) VCF-style: chr6-74346360-A-C.
Other names: c.453T>G, p.Tyr151Ter (NM_001382629.1); c.684T>G, p.Tyr228Ter (NM_001382630.1, NM_001382633.1, NM_001382634.1); c.705T>G, p.Tyr235Ter (NM_001382631.1); c.681T>G, p.Tyr227Ter (NM_001382635.1); c.383-1137T>G (NM_001382636.1); c.614-1137T>G (NM_001382632.1); c.684T>G (NM_012434.4); short protein forms Y151*, Y228*, Y227*, Y235*.
Identifiers: ClinVar variation 2772082 (VCV002772082.4), dbSNP rs1554163945, ClinGen allele CA364716457.
Genomic context (GRCh38, chr6:73,636,637, plus strand): 5'-TTTGAATTTGTTACATTATAATTTAGTTAAAATTTTAAACTTACCAAAAAAGTAGAAGAC[A>C]TAAGTCCAATTCATATAGTAGCAAATTATTCCAGAAAGAGGAAGAGAAATTACTGTCCCA-3'

ClinVar aggregate classification (germline): Pathogenic/Likely pathogenic. Review status: criteria provided, multiple submitters, no conflicts (2 of 4 stars). 2 submissions from 2 submitters: Pathogenic (1); Likely pathogenic (1). Last evaluated 2024-12-18.

Conditions:
Salla disease (SD). Also called: Sialuria, Finnish type; N-acetylneuraminic acid (NANA) storage disease (NSD); Infantile sialic acid storage disorder (ISSD); Less Severe FSASD (Salla Disease). Identifiers: Orphanet 309334, Orphanet 834, MedGen C1096903, MONDO:0011449, OMIM 604369.

Submissions (2):

Natera, Inc.
Classification: Likely pathogenic for Salla disease. Last evaluated: 2024-12-18. Review status: criteria provided, single submitter. Criteria: Natera Variant Classification Schema (03/2026). Collection method: clinical testing. Allele origin: germline.
Comment: The c.684T>G variant in SLC17A5 is a nonsense variant predicted to introduce a stop codon at amino acid 228. This variant is expected to result in nonsense mediated decay, truncation, or a dysfunctional protein product. This variant is rare in the general population with a frequency below the threshold expected for the associated phenotype(s). Given the available evidence, this variant is classified as Likely Pathogenic.

Labcorp Genetics (formerly Invitae), Labcorp
Classification: Pathogenic for Salla disease. Last evaluated: 2023-10-27. Review status: criteria provided, single submitter. Criteria: Invitae Variant Classification Sherloc (09022015). Collection method: clinical testing. Allele origin: germline.
Comment: This sequence change creates a premature translational stop signal (p.Tyr228*) in the SLC17A5 gene. It is expected to result in an absent or disrupted protein product. Loss-of-function variants in SLC17A5 are known to be pathogenic (PMID: 10581036, 10947946, 15172001). This variant is not present in population databases (gnomAD no frequency). This variant has not been reported in the literature in individuals affected with SLC17A5-related conditions. For these reasons, this variant has been classified as Pathogenic.

Literature cited by the submitters: PubMed 10581036 (cited by Labcorp Genetics (formerly Invitae), Labcorp); PubMed 10947946 (cited by Labcorp Genetics (formerly Invitae), Labcorp); PubMed 15172001 (cited by Labcorp Genetics (formerly Invitae), Labcorp).